The following is an entry in ClinVar:

NM_001244008.2(KIF1A):c.4666-5C>T

Gene: KIF1A (kinesin family member 1A; minus strand). Cytogenetic location: 2q37.3.
Variant type: single nucleotide variant.
Coding change: c.4666-5C>T on transcript NM_001244008.2 (MANE Select); 5 bases into the intron before coding-DNA position 4666, C replaced by T.
Molecular consequence: intron variant.
Genome position (GRCh38, 1-based): chr2:240,721,889, G>A on the plus strand (C>T on the coding strand, the complement: KIF1A is on the minus strand). VCF-style: chr2-240721889-G-A. GRCh37 (hg19) VCF-style: chr2-241661306-G-A.
Other names: c.4363-5C>T (NM_001379653.1, NM_001379650.1, NM_001379641.1 and 2 more transcripts); c.4639-5C>T (NM_001379645.1, NM_001379633.1); c.4489-5C>T (NM_001379635.1, NM_001379646.1); c.4360-5C>T (NM_001379640.1); c.4387-5C>T (NM_001379639.1); c.4390-5C>T (NM_001379649.1, NM_001320705.2); c.4477-5C>T (NM_001379636.1); c.4642-5C>T (NM_001379632.1); and 7 more.
Identifiers: ClinVar variation 390817 (VCV000390817.51), dbSNP rs532806732, ClinGen allele CA2207350.

ClinVar aggregate classification (germline): Conflicting classifications of pathogenicity. Review status: criteria provided, conflicting classifications (1 of 4 stars). 6 submissions from 6 submitters: Uncertain significance (2); Likely benign (4). Last evaluated 2025-03-17.

Conditions:
Inborn genetic diseases. Identifiers: MedGen C0950123, MeSH D030342.
Neuropathy, hereditary sensory, type 2C. Also called: Hereditary sensory and autonomic neuropathy type IIC; KIF1A-Related HSAN2 (HSAN2C). Identifiers: Orphanet 970, MedGen C3280168, MONDO:0013634, OMIM 614213.
Intellectual disability, autosomal dominant 9 (NESCAVS). Also called: NESCAV SYNDROME; KIF1A-Related Neurodevelopmental Disorder. Identifiers: Orphanet 662367, MedGen C5393830, MONDO:0013656, OMIM 614255.
Hereditary spastic paraplegia 30. Identifiers: Orphanet 101010, MedGen C5235139, MONDO:0012476.

Allele frequency attached by ClinVar (database versions not stated): gnomAD 0.00005 and 0.00004; gnomAD exomes 0.00005 and 0.00003; ExAC 0.00006; TOPMed 0.00007.
gnomAD v4.1: 73 of 1,602,550 alleles (0.0046%); highest among the groups gnomAD compares: Non-Finnish European, 0.0059%; no homozygotes.

Submissions (6):

Labcorp Genetics (formerly Invitae), Labcorp
Classification: Likely benign for Hereditary spastic paraplegia 30; Neuropathy, hereditary sensory, type 2C; Intellectual disability, autosomal dominant 9. Last evaluated: 2025-03-17. Review status: criteria provided, single submitter. Criteria: Invitae Variant Classification Sherloc (09022015). Collection method: clinical testing. Allele origin: germline.

Laboratory of Genetics, Children's Clinical University Hospital Latvia
Classification: Likely benign. Last evaluated: 2025-02-16. Review status: criteria provided, single submitter. Criteria: ACMG Guidelines, 2015. Collection method: clinical testing. Allele origin: germline. Affected: yes.

Blueprint Genetics
Classification: Likely benign. Last evaluated: 2024-02-29. Review status: criteria provided, single submitter. Criteria: ACMG Guidelines, 2015. Collection method: clinical testing. Allele origin: germline.

CeGaT Center for Human Genetics Tuebingen
Classification: Uncertain significance. Last evaluated: 2021-03-01. Review status: criteria provided, single submitter. Criteria: CeGaT Center For Human Genetics Tuebingen Variant Classification Criteria Version 2. Collection method: clinical testing. Allele origin: germline. Affected: yes. Observed: 1 variant allele.

Ambry Genetics
Classification: Uncertain significance for Inborn genetic diseases. Last evaluated: 2020-12-15. Review status: criteria provided, single submitter. Criteria: Ambry Variant Classification Scheme 2023. Collection method: clinical testing. Allele origin: germline.
Comment: The c.4666-5C>T intronic variant results from a C to T substitution 5 nucleotides upstream from coding exon 43 in the KIF1A gene. This nucleotide position is not well conserved in available vertebrate species. In silico splice site analysis predicts that this alteration will not have any significant effect on splicing. Since supporting evidence is limited at this time, the clinical significance of this alteration remains unclear.

GeneDx
Classification: Likely benign. Last evaluated: 2019-09-26. Review status: criteria provided, single submitter. Criteria: GeneDx Variant Classification Process June 2021. Collection method: clinical testing. Allele origin: germline. Affected: yes.